The following is an entry in ClinVar:

NM_004667.6(HERC2):c.6628A>G (p.Ile2210Val)

Gene: HERC2 (HECT and RLD domain containing E3 ubiquitin protein ligase 2; minus strand). Cytogenetic location: 15q13.1.
Variant type: single nucleotide variant.
Coding change: c.6628A>G on transcript NM_004667.6 (MANE Select); coding-DNA position 6628, A replaced by G.
Protein change: p.Ile2210Val; replaces isoleucine 2210 with valine.
Molecular consequence: missense variant.
Genome position (GRCh38, 1-based): chr15:28,213,900, T>C on the plus strand (A>G on the coding strand, the complement: HERC2 is on the minus strand). VCF-style: chr15-28213900-T-C. GRCh37 (hg19) VCF-style: chr15-28459046-T-C.
Other names: short protein forms I2210V.
Identifiers: ClinVar variation 1318770 (VCV001318770.2), dbSNP rs562990557, ClinGen allele CA7441982.

ClinVar aggregate classification (germline): Uncertain significance (1 of 4 stars; one submission).

Allele frequency attached by ClinVar (database versions not stated): gnomAD 0.00002; gnomAD exomes 0.00003; ExAC 0.00017; 1000 Genomes Project 0.00060.
gnomAD v4.1: 47 of 1,613,784 alleles (0.0029%); highest among the groups gnomAD compares: Middle Eastern, 0.033%; no homozygotes.

Submission:

GeneDx
Classification: Uncertain significance. Last evaluated: 2019-10-21. Review status: criteria provided, single submitter. Criteria: GeneDx Variant Classification Process June 2021. Collection method: clinical testing. Allele origin: germline. Affected: yes.
Comment: Not observed at a significant frequency in large population cohorts, and no individuals were reported to be homozygous (Lek et al., 2016); In silico analysis, which includes protein predictors and evolutionary conservation, supports that this variant does not alter protein structure/function; Has not been previously published as pathogenic or benign to our knowledge